The following is an entry in ClinVar:

NM_033380.3(COL4A5):c.1992G>T (p.Lys664Asn)

Gene: COL4A5 (collagen type IV alpha 5 chain; plus strand). Cytogenetic location: Xq22.3.
Variant type: single nucleotide variant.
Coding change: c.1992G>T on transcript NM_033380.3 (MANE Select); coding-DNA position 1992, G replaced by T.
Protein change: p.Lys664Asn; replaces lysine 664 with asparagine.
Molecular consequence: missense variant.
Genome position (GRCh38, 1-based): chrX:108,601,436, G>T. VCF-style: chrX-108601436-G-T. GRCh37 (hg19) VCF-style: chrX-107844666-G-T.
Other names: c.1992G>T, p.Lys664Asn (NM_000495.5); short protein forms K664N.
Identifiers: ClinVar variation 24469 (VCV000024469.27), dbSNP rs34077552, ClinGen allele CA258583.
Genomic context (GRCh38, chrX:108,601,436, plus strand): 5'-TTTACTCTTGCTTTCAGGTCCTAAAGGGGATCCAGGTCAGACTATAACCCAGCCGGGGAA[G>T]CCTGGCTTGCCTGGTAACCCAGGCAGAGATGGTGATGTAGGTCTTCCAGGTATGTGAGGA-3'
Protein context (NP_203699.1, residues 654-674): DPGQTITQPG[Lys664Asn]PGLPGNPGRD

ClinVar aggregate classification (germline): Benign/Likely benign. Review status: criteria provided, multiple submitters, no conflicts (2 of 4 stars). 11 submissions from 11 submitters: Benign (10); Likely benign (1). Last evaluated 2026-02-01.

Conditions:
Atypical hemolytic-uremic syndrome. Identifiers: Orphanet 2134, MedGen C2931788, MONDO:0016244.
X-linked Alport syndrome (ATS1). Also called: COL4A5-Related Nephropathy; NEPHROPATHY AND DEAFNESS, X-LINKED. Identifiers: Orphanet 63, Orphanet 88917, MedGen C4746986, MONDO:0010520, OMIM 301050.

Allele frequency attached by ClinVar (database versions not stated): ESP Exome Variant Server 0.00899; 1000 Genomes Project 0.00318; 1000 Genomes Project 30x 0.00333; gnomAD 0.00714 and 0.00745; TOPMed 0.00783.
gnomAD v4.1: 13,527 of 1,204,997 alleles (1.1%); highest among the groups gnomAD compares: South Asian, 1.5%; 59 homozygotes.

Submissions (11):

Labcorp Genetics (formerly Invitae), Labcorp
Classification: Benign. Last evaluated: 2026-02-01. Review status: criteria provided, single submitter. Criteria: Invitae Variant Classification Sherloc (09022015). Collection method: clinical testing. Allele origin: germline.

Mayo Clinic Laboratories, Mayo Clinic
Classification: Benign. Last evaluated: 2025-07-16. Review status: criteria provided, single submitter. Criteria: ACMG Guidelines, 2015. Collection method: clinical testing. Allele origin: germline. Observed: 1 variant allele.
Comment: BS1, BS2, BP4_moderate

ARUP Laboratories, Molecular Genetics and Genomics, ARUP Laboratories
Classification: Benign for X-linked Alport syndrome. Last evaluated: 2025-05-12. Review status: criteria provided, single submitter. Criteria: ARUP Molecular Germline Variant Investigation Process 2024. Collection method: clinical testing. Allele origin: germline.

Blueprint Genetics
Classification: Likely benign. Last evaluated: 2024-11-28. Review status: criteria provided, single submitter. Criteria: ACMG Guidelines, 2015. Collection method: clinical testing. Allele origin: germline.

Athena Diagnostics
Classification: Benign. Last evaluated: 2024-11-20. Review status: criteria provided, single submitter. Criteria: Athena Diagnostics Criteria. Collection method: clinical testing. Allele origin: unknown.

Genome Diagnostics Laboratory, The Hospital for Sick Children
Classification: Benign for Atypical hemolytic-uremic syndrome. Last evaluated: 2022-10-05. Review status: criteria provided, single submitter. Criteria: ACMG Guidelines, 2015. Collection method: clinical testing. Allele origin: germline.

Genome-Nilou Lab
Classification: Benign for X-linked Alport syndrome. Last evaluated: 2021-07-30. Review status: criteria provided, single submitter. Criteria: ACMG Guidelines, 2015. Collection method: clinical testing. Allele origin: germline. Affected: no.

GeneDx
Classification: Benign. Last evaluated: 2019-01-15. Review status: criteria provided, single submitter. Criteria: GeneDx Variant Classification Process June 2021. Collection method: clinical testing. Allele origin: germline. Affected: yes.
Comment: This variant is associated with the following publications: (PMID: 17396119, 11462238, 8940267, 17660027)

Laboratory for Molecular Medicine, Mass General Brigham Personalized Medicine
Classification: Benign. Last evaluated: 2016-03-21. Review status: criteria provided, single submitter. Criteria: LMM Criteria. Collection method: clinical testing. Allele origin: germline. Observed: 4 variant alleles.
Comment: p.Lys664Asn in exon 26 of COL4A5: This variant is not expected to have clinical significance because it has been identified in 1.47% (127/8628) of South Asian c hromosomes by the Exome Aggregation Consortium (ExAC .org; dbSNP rs34077552).

Breakthrough Genomics
Classification: Benign. Review status: criteria provided, single submitter. Criteria: ACMG Guidelines, 2015. Collection method: not provided. Allele origin: germline. Inheritance: X-linked inheritance. Affected: yes.

PreventionGenetics, part of Exact Sciences
Classification: Benign. Review status: criteria provided, single submitter. Criteria: ACMG Guidelines, 2015. Collection method: clinical testing. Allele origin: germline.

Literature cited by the submitters: PubMed 35132093 (cited by Mayo Clinic Laboratories, Mayo Clinic and Athena Diagnostics); PubMed 17396119 (cited by Athena Diagnostics); PubMed 11462238 (cited by Athena Diagnostics); PubMed 11572889 (cited by Athena Diagnostics); PubMed 39413162 (cited by Athena Diagnostics).